The following is an entry in ClinVar:

ClinVar aggregate classification (germline): Uncertain significance (1 of 4 stars; one submission).

Conditions:
Neurofibromatosis, type 1 (NF1). Also called: NEUROFIBROMATOSIS, TYPE I, SOMATIC; Peripheral type neurofibromatosis; VON RECKLINGHAUSEN DISEASE; Neurofibromatosis, type I. Identifiers: Orphanet 636, MedGen C0027831, MONDO:0018975, OMIM 162200. Disease mechanism: loss of function.

Submission:

Labcorp Genetics (formerly Invitae), Labcorp
Classification: Uncertain significance for Neurofibromatosis, type 1. Last evaluated: 2022-10-30. Review status: criteria provided, single submitter. Criteria: Invitae Variant Classification Sherloc (09022015). Collection method: clinical testing. Allele origin: germline.
Comment: This sequence change replaces isoleucine, which is neutral and non-polar, with serine, which is neutral and polar, at codon 396 of the NF1 protein (p.Ile396Ser). In summary, the available evidence is currently insufficient to determine the role of this variant in disease. Therefore, it has been classified as a Variant of Uncertain Significance. Algorithms developed to predict the effect of missense changes on protein structure and function are either unavailable or do not agree on the potential impact of this missense change (SIFT: "Deleterious"; PolyPhen-2: "Benign"; Align-GVGD: "Class C0"). This variant has not been reported in the literature in individuals affected with NF1-related conditions. This variant is not present in population databases (gnomAD no frequency).

NM_001042492.3(NF1):c.1187T>G (p.Ile396Ser)

Gene: NF1 (neurofibromin 1; plus strand). Cytogenetic location: 17q11.2.
Variant type: single nucleotide variant.
Coding change: c.1187T>G on transcript NM_001042492.3 (MANE Select); coding-DNA position 1187, T replaced by G.
Protein change: p.Ile396Ser; replaces isoleucine 396 with serine.
Molecular consequence: missense variant.
Genome position (GRCh38, 1-based): chr17:31,201,412, T>G. VCF-style: chr17-31201412-T-G. GRCh37 (hg19) VCF-style: chr17-29528430-T-G.
Other names: c.1187T>G, p.Ile396Ser (NM_000267.4, NM_001128147.3); short protein forms I396S.
Identifiers: ClinVar variation 2810866 (VCV002810866.3), dbSNP rs2143885518, ClinGen allele CA398997413.
Genomic context (GRCh38, chr17:31,201,412, plus strand): 5'-TGTATTACTGAGTATTTTTCTCATAGAAATAATCTGCTTTTTTTTTTCTTTTTCTATAGA[T>G]CTGCCTGGCTCAGAATTCACCTTCTACATTTCACTATGTGCTGGTAAATTCACTCCATCG-3'
Protein context (NP_001035957.1, residues 386-406): ISPHNNQHFK[Ile396Ser]CLAQNSPSTF